The following is an entry in ClinVar:

ClinVar aggregate classification (germline): Uncertain significance (1 of 4 stars; one submission).

Conditions:
Thrombophilia due to protein C deficiency, autosomal dominant. Also called: PROC DEFICIENCY, AUTOSOMAL DOMINANT; PROTEIN C DEFICIENCY, AUTOSOMAL DOMINANT. Identifiers: Orphanet 745, MedGen C2674321, MONDO:0008316, OMIM 176860. Disease mechanism: loss of function.

gnomAD v4.1: 50 of 1,612,210 alleles (0.0031%); highest among the groups gnomAD compares: Non-Finnish European, 0.0042%; no homozygotes.

Submission:

Labcorp Genetics (formerly Invitae), Labcorp
Classification: Uncertain significance for Thrombophilia due to protein C deficiency, autosomal dominant. Last evaluated: 2023-08-16. Review status: criteria provided, single submitter. Criteria: Invitae Variant Classification Sherloc (09022015). Collection method: clinical testing. Allele origin: germline.
Comment: This sequence change replaces valine, which is neutral and non-polar, with methionine, which is neutral and non-polar, at codon 417 of the PROC protein (p.Val417Met). This variant is not present in population databases (gnomAD no frequency). This missense change has been observed in individuals with protein C deficiency (PMID: 32717757; Invitae). Advanced modeling of protein sequence and biophysical properties (such as structural, functional, and spatial information, amino acid conservation, physicochemical variation, residue mobility, and thermodynamic stability) has been performed at Invitae for this missense variant, however the output from this modeling did not meet the statistical confidence thresholds required to predict the impact of this variant on PROC protein function. This variant disrupts the p.Val417 amino acid residue in PROC. Other variant(s) that disrupt this residue have been observed in individuals with PROC-related conditions (PMID: 32717757), which suggests that this may be a clinically significant amino acid residue. In summary, the available evidence is currently insufficient to determine the role of this variant in disease. Therefore, it has been classified as a Variant of Uncertain Significance.

Literature cited by the submitters: PubMed 32717757.

NM_000312.4(PROC):c.1249G>A (p.Val417Met)

Gene: PROC (protein C, inactivator of coagulation factors Va and VIIIa; plus strand). Cytogenetic location: 2q14.3.
Variant type: single nucleotide variant.
Coding change: c.1249G>A on transcript NM_000312.4 (MANE Select); coding-DNA position 1249, G replaced by A.
Protein change: p.Val417Met; replaces valine 417 with methionine.
Molecular consequence: missense variant.
Genome position (GRCh38, 1-based): chr2:127,428,809, G>A. VCF-style: chr2-127428809-G-A. GRCh37 (hg19) VCF-style: chr2-128186385-G-A.
Other names: c.1432G>A, p.Val478Met (NM_001375602.1); c.1414G>A, p.Val472Met (NM_001375603.1); c.1312G>A, p.Val438Met (NM_001375604.1); c.1351G>A, p.Val451Met (NM_001375605.1); c.1417G>A, p.Val473Met (NM_001375606.1); c.1435G>A, p.Val479Met (NM_001375607.1); c.1192G>A, p.Val398Met (NM_001375608.1); c.1225G>A, p.Val409Met (NM_001375609.1); and 2 more; short protein forms V409M, V415M, V438M, V451M, V398M, V472M, V478M, V417M.
Identifiers: ClinVar variation 2883556 (VCV002883556.1), dbSNP rs144760718, ClinGen allele CA348406443.